The following is an entry in ClinVar:

NM_000138.5(FBN1):c.7918G>A (p.Glu2640Lys)

Gene: FBN1 (fibrillin 1; minus strand). Cytogenetic location: 15q21.1.
Variant type: single nucleotide variant.
Coding change: c.7918G>A on transcript NM_000138.5 (MANE Select); coding-DNA position 7918, G replaced by A.
Protein change: p.Glu2640Lys; replaces glutamic acid 2640 with lysine.
Molecular consequence: missense variant.
Genome position (GRCh38, 1-based): chr15:48,415,669, C>T on the plus strand (G>A on the coding strand, the complement: FBN1 is on the minus strand). VCF-style: chr15-48415669-C-T. GRCh37 (hg19) VCF-style: chr15-48707866-C-T.
Other names: short protein forms E2640K.
Identifiers: ClinVar variation 926733 (VCV000926733.6), dbSNP rs2042897958, ClinGen allele CA392323111.

ClinVar aggregate classification (germline): Uncertain significance. Review status: criteria provided, multiple submitters, no conflicts (2 of 4 stars). 2 submissions from 2 submitters: Uncertain significance (2). Last evaluated 2025-11-03.

Conditions:
Familial thoracic aortic aneurysm and aortic dissection (TAAD). Also called: Thoracic aortic aneurysms and dissections. Identifiers: Orphanet 91387, MedGen C4707243, MONDO:0019625.

Allele frequency attached by ClinVar (database versions not stated): gnomAD exomes below 0.00001.
gnomAD v4.1: 1 of 1,614,222 alleles (0.000062%); highest among the groups gnomAD compares: Non-Finnish European, 0.000085%; no homozygotes.

Submissions (2):

Ambry Genetics
Classification: Uncertain significance for Familial thoracic aortic aneurysm and aortic dissection. Last evaluated: 2025-11-03. Review status: criteria provided, single submitter. Criteria: Ambry Variant Classification Scheme 2023. Collection method: clinical testing. Allele origin: germline.
Comment: The p.E2640K variant (also known as c.7918G>A), located in coding exon 63 of the FBN1 gene, results from a G to A substitution at nucleotide position 7918. The glutamic acid at codon 2640 is replaced by lysine, an amino acid with similar properties. This variant was reported in individual(s) with features consistent with aortic aneurysm (Ambry internal data). This amino acid position is well conserved in available vertebrate species. In addition, this alteration is predicted to be deleterious by in silico analysis. Based on the available evidence, the clinical significance of this variant remains unclear.

Color Diagnostics, LLC DBA Color Health
Classification: Uncertain significance for Familial thoracic aortic aneurysm and aortic dissection. Last evaluated: 2023-12-05. Review status: criteria provided, single submitter. Criteria: ACMG Guidelines, 2015. Collection method: clinical testing. Allele origin: germline.
Comment: This missense variant replaces glutamic acid with lysine at codon 2640 of the FBN1 protein. Computational prediction tools and conservation analyses are inconclusive regarding the impact of this variant on the protein function. Computational splicing tools suggest that this variant may not impact RNA splicing. To our knowledge, functional assays have not been performed for this variant nor has this variant been reported in individuals affected with cardiovascular disorders in the literature. This variant has not been identified in the general population by the Genome Aggregation Database (gnomAD). Available evidence is insufficient to determine the role of this variant in disease conclusively. Therefore, this variant is classified as a Variant of Uncertain Significance.